The following is an entry in ClinVar:

ClinVar aggregate classification (germline): Uncertain significance (1 of 4 stars; one submission).

Conditions:
Hereditary cancer-predisposing syndrome. Also called: Tumor predisposition; Hereditary Cancer Syndrome; Hereditary neoplastic syndrome; Neoplastic Syndromes, Hereditary. Identifiers: Orphanet 140162, MedGen C0027672, MeSH D009386, MONDO:0015356.

Submission:

Ambry Genetics
Classification: Uncertain significance for Hereditary cancer-predisposing syndrome. Last evaluated: 2025-10-29. Review status: criteria provided, single submitter. Criteria: Ambry Variant Classification Scheme 2023. Collection method: clinical testing. Allele origin: germline.
Comment: The p.S237P variant (also known as c.709T>C), located in coding exon 6 of the TSC1 gene, results from a T to C substitution at nucleotide position 709. The serine at codon 237 is replaced by proline, an amino acid with similar properties. This amino acid position is conserved. In addition, this alteration is predicted to be deleterious by in silico analysis. Based on the available evidence, the clinical significance of this variant remains unclear.

NM_000368.5(TSC1):c.709T>C (p.Ser237Pro)

Gene: TSC1 (TSC complex subunit 1; minus strand). Cytogenetic location: 9q34.13.
Variant type: single nucleotide variant.
Coding change: c.709T>C on transcript NM_000368.5 (MANE Select); coding-DNA position 709, T replaced by C.
Protein change: p.Ser237Pro; replaces serine 237 with proline.
Molecular consequence: missense variant. On other transcripts: 5 prime UTR variant (1), non-coding transcript variant (5), intron variant (4).
Genome position (GRCh38, 1-based): chr9:132,921,391, A>G on the plus strand (T>C on the coding strand, the complement: TSC1 is on the minus strand). VCF-style: chr9-132921391-A-G. GRCh37 (hg19) VCF-style: chr9-135796778-A-G.
Other names: c.709T>C, p.Ser237Pro (NM_001162426.2, NM_001406592.1, NM_001406593.1 and 16 more transcripts); c.556T>C, p.Ser186Pro (NM_001162427.2, NM_001406610.1, NM_001406611.1 and 2 more transcripts); c.346T>C, p.Ser116Pro (NM_001362177.2, NM_001406614.1, NM_001406615.1 and 10 more transcripts); c.-385T>C (NM_001406630.1); c.-215+428T>C (NM_001406627.1, NM_001406628.1, NM_001406626.1); c.-357+428T>C (NM_001406629.1); short protein forms S186P, S237P, S116P.
Identifiers: ClinVar variation 4554350 (VCV004554350.1).